The following is an entry in ClinVar:

NM_001101362.3(KBTBD13):c.1119C>T (p.Asn373=)

Gene: KBTBD13 (kelch repeat and BTB domain containing 13; plus strand). Cytogenetic location: 15q22.31.
Variant type: single nucleotide variant.
Coding change: c.1119C>T on transcript NM_001101362.3 (MANE Select); coding-DNA position 1119, C replaced by T.
Protein change: p.Asn373=; no amino-acid change (asparagine 373 retained).
Molecular consequence: synonymous variant.
Genome position (GRCh38, 1-based): chr15:65,077,934, C>T. VCF-style: chr15-65077934-C-T. GRCh37 (hg19) VCF-style: chr15-65370272-C-T.
Identifiers: ClinVar variation 510628 (VCV000510628.17), dbSNP rs201760548, ClinGen allele CA7614080.

ClinVar aggregate classification (germline): Benign/Likely benign. Review status: criteria provided, multiple submitters, no conflicts (2 of 4 stars). 3 submissions from 3 submitters: Benign (1); Likely benign (2). Last evaluated 2026-04-01.

Conditions:
Nemaline myopathy 6 (NEM6). Also called: Nemaline myopathy 6, autosomal dominant. Identifiers: Orphanet 171439, MedGen C1836472, MONDO:0012237, OMIM 609273.

Allele frequency attached by ClinVar (database versions not stated): gnomAD exomes 0.00009 and 0.00021; ExAC 0.00027; 1000 Genomes Project 30x 0.00031; 1000 Genomes Project 0.00040; ESP Exome Variant Server 0.00097; gnomAD 0.00102 and 0.00109; TOPMed 0.00114.
gnomAD v4.1: 279 of 1,611,946 alleles (0.017%); highest among the groups gnomAD compares: African/African-American, 0.35%; no homozygotes.

Submissions (3):

CeGaT Center for Human Genetics Tuebingen
Classification: Likely benign. Last evaluated: 2026-04-01. Review status: criteria provided, single submitter. Criteria: CeGaT Center For Human Genetics Tuebingen Variant Classification Criteria Version 2. Collection method: clinical testing. Allele origin: germline. Affected: yes. Observed: 1 variant allele.
Comment: KBTBD13: BP4, BS1

Labcorp Genetics (formerly Invitae), Labcorp
Classification: Benign for Nemaline myopathy 6. Last evaluated: 2026-01-27. Review status: criteria provided, single submitter. Criteria: Invitae Variant Classification Sherloc (09022015). Collection method: clinical testing. Allele origin: germline.

GeneDx
Classification: Likely benign. Last evaluated: 2020-09-17. Review status: criteria provided, single submitter. Criteria: GeneDx Variant Classification Process June 2021. Collection method: clinical testing. Allele origin: germline. Affected: yes.